The following is an entry in ClinVar:

NM_020832.3(ZNF687):c.1600C>T (p.Arg534Cys)

Gene: ZNF687 (zinc finger protein 687; plus strand). Cytogenetic location: 1q21.3.
Variant type: single nucleotide variant.
Coding change: c.1600C>T on transcript NM_020832.3 (MANE Select); coding-DNA position 1600, C replaced by T.
Protein change: p.Arg534Cys; replaces arginine 534 with cysteine.
Molecular consequence: missense variant.
Genome position (GRCh38, 1-based): chr1:151,287,891, C>T. VCF-style: chr1-151287891-C-T. GRCh37 (hg19) VCF-style: chr1-151260367-C-T.
Other names: c.1600C>T, p.Arg534Cys (NM_001304763.2, NM_001304764.2); short protein forms R534C.
Identifiers: ClinVar variation 2995494 (VCV002995494.3), dbSNP rs778910431, ClinGen allele CA1088363.

ClinVar aggregate classification (germline): Uncertain significance (1 of 4 stars; one submission).

Allele frequency attached by ClinVar (database versions not stated): gnomAD 0.00001; gnomAD exomes 0.00001; ExAC 0.00002; TOPMed 0.00002.
gnomAD v4.1: 20 of 1,613,808 alleles (0.0012%); highest among the groups gnomAD compares: African/African-American, 0.004%; no homozygotes.

Submission:

Labcorp Genetics (formerly Invitae), Labcorp
Classification: Uncertain significance. Last evaluated: 2023-02-26. Review status: criteria provided, single submitter. Criteria: Invitae Variant Classification Sherloc (09022015). Collection method: clinical testing. Allele origin: germline.
Comment: This sequence change replaces arginine, which is basic and polar, with cysteine, which is neutral and slightly polar, at codon 534 of the ZNF687 protein (p.Arg534Cys). This variant is present in population databases (rs778910431, gnomAD 0.005%). This variant has not been reported in the literature in individuals affected with ZNF687-related conditions. An algorithm developed to predict the effect of missense changes on protein structure and function (PolyPhen-2) suggests that this variant is likely to be disruptive. In summary, the available evidence is currently insufficient to determine the role of this variant in disease. Therefore, it has been classified as a Variant of Uncertain Significance.